The following is an entry in ClinVar:

NM_015045.5(WAPL):c.229A>G (p.Ser77Gly)

Gene: WAPL (WAPL cohesin release factor; minus strand). Cytogenetic location: 10q23.2.
Variant type: single nucleotide variant.
Coding change: c.229A>G on transcript NM_015045.5 (MANE Select); coding-DNA position 229, A replaced by G.
Protein change: p.Ser77Gly; replaces serine 77 with glycine.
Molecular consequence: missense variant.
Genome position (GRCh38, 1-based): chr10:86,517,841, T>C on the plus strand (A>G on the coding strand, the complement: WAPL is on the minus strand). VCF-style: chr10-86517841-T-C. GRCh37 (hg19) VCF-style: chr10-88277598-T-C.
Other names: c.229A>G, p.Ser77Gly (NM_001318328.2); short protein forms S77G.
Identifiers: ClinVar variation 4891346 (VCV004891346.1).

ClinVar aggregate classification (germline): Uncertain significance (1 of 4 stars; one submission).

Submission:

GeneDx
Classification: Uncertain significance. Last evaluated: 2023-04-02. Review status: criteria provided, single submitter. Criteria: GeneDx Variant Classification Process June 2021. Collection method: clinical testing. Allele origin: germline.
Comment: Not observed at significant frequency in large population cohorts (gnomAD); In silico analysis supports that this missense variant does not alter protein structure/function; Has not been previously published as pathogenic or benign to our knowledge; Variants in candidate genes are classified as variants of uncertain significance in accordance with ACMG guidelines (Richards et al., 2015)